The following is an entry in ClinVar:

ClinVar aggregate classification (germline): Uncertain significance. Review status: criteria provided, multiple submitters, no conflicts (2 of 4 stars). 2 submissions from 2 submitters: Uncertain significance (2). Last evaluated 2026-04-24.

gnomAD v4.1: 11 of 1,613,930 alleles (0.00068%); highest among the groups gnomAD compares: East Asian, 0.0022%; no homozygotes.

Submissions (2):

GeneDx
Classification: Uncertain significance. Last evaluated: 2026-04-24. Review status: criteria provided, single submitter. Criteria: GeneDx Variant Classification Process June 2021. Collection method: clinical testing. Allele origin: germline.
Comment: In silico analysis suggests that this missense variant does not alter protein structure/function; Has not been previously published as pathogenic or benign to our knowledge

Labcorp Genetics (formerly Invitae), Labcorp
Classification: Uncertain significance. Last evaluated: 2025-06-25. Review status: criteria provided, single submitter. Criteria: Invitae Variant Classification Sherloc (09022015). Collection method: clinical testing. Allele origin: germline.
Comment: This sequence change replaces arginine, which is basic and polar, with histidine, which is basic and polar, at codon 478 of the DDR2 protein (p.Arg478His). This variant is present in population databases (rs773598662, gnomAD 0.003%). This variant has not been reported in the literature in individuals affected with DDR2-related conditions. An algorithm developed to predict the effect of missense changes on protein structure and function (PolyPhen-2) suggests that this variant is likely to be tolerated. In summary, the available evidence is currently insufficient to determine the role of this variant in disease. Therefore, it has been classified as a Variant of Uncertain Significance.

NM_006182.4(DDR2):c.1433G>A (p.Arg478His)

Gene: DDR2 (discoidin domain receptor tyrosine kinase 2; plus strand). Cytogenetic location: 1q23.3.
Variant type: single nucleotide variant.
Coding change: c.1433G>A on transcript NM_006182.4 (MANE Select); coding-DNA position 1433, G replaced by A.
Protein change: p.Arg478His; replaces arginine 478 with histidine.
Molecular consequence: missense variant.
Genome position (GRCh38, 1-based): chr1:162,770,441, G>A. VCF-style: chr1-162770441-G-A. GRCh37 (hg19) VCF-style: chr1-162740231-G-A.
Other names: c.1433G>A (NM_006182.2); c.1433G>A, p.Arg478His (NM_001014796.3, NM_001354982.2, NM_001354983.2); short protein forms R478H.
Identifiers: ClinVar variation 4696853 (VCV004696853.2).
Genomic context (GRCh38, chr1:162,770,441, plus strand): 5'-GCTCCTCATCACCTAGTGAACAAGGGTCCAACTCGACTTACGATCGCATCTTTCCCCTTC[G>A]CCCTGACTACCAGGAGCCATCCAGGCTGATACGAAAACTCCCAGAATTTGCTCCAGGGGA-3'
Protein context (NP_006173.2, residues 468-488): NSTYDRIFPL[Arg478His]PDYQEPSRLI